The following is an entry in ClinVar:

NM_020975.6(RET):c.229C>A (p.Arg77Ser)

Gene: RET (ret proto-oncogene; plus strand). Cytogenetic location: 10q11.21.
Variant type: single nucleotide variant.
Coding change: c.229C>A on transcript NM_020975.6 (MANE Select); coding-DNA position 229, C replaced by A.
Protein change: p.Arg77Ser; replaces arginine 77 with serine.
Molecular consequence: missense variant.
Genome position (GRCh38, 1-based): chr10:43,100,614, C>A. VCF-style: chr10-43100614-C-A. GRCh37 (hg19) VCF-style: chr10-43596062-C-A.
Other names: c.229C>A, p.Arg77Ser (NM_000323.2, NM_001406743.1, NM_001406744.1 and 34 more transcripts); short protein forms R77S.
Identifiers: ClinVar variation 821050 (VCV000821050.6), dbSNP rs1588862595, ClinGen allele CA376770360.

ClinVar aggregate classification (germline): Uncertain significance (1 of 4 stars; one submission).

Conditions:
Hereditary cancer-predisposing syndrome. Also called: Neoplastic Syndromes, Hereditary; Tumor predisposition; Hereditary Cancer Syndrome; Hereditary neoplastic syndrome. Identifiers: Orphanet 140162, MedGen C0027672, MeSH D009386, MONDO:0015356.

Allele frequency attached by ClinVar (database versions not stated): gnomAD exomes below 0.00001.
gnomAD v4.1: 1 of 1,613,954 alleles (0.000062%); highest among the groups gnomAD compares: Non-Finnish European, 0.000085%; no homozygotes.

Submission:

Ambry Genetics
Classification: Uncertain significance for Hereditary cancer-predisposing syndrome. Last evaluated: 2018-12-26. Review status: criteria provided, single submitter. Criteria: Ambry Variant Classification Scheme 2023. Collection method: clinical testing. Allele origin: germline.
Comment: The p.R77S variant (also known as c.229C>A), located in coding exon 2 of the RET gene, results from a C to A substitution at nucleotide position 229. The arginine at codon 77 is replaced by serine, an amino acid with dissimilar properties. This amino acid position is well conserved in available vertebrate species. In addition, the in silico prediction for this alteration is inconclusive. Since supporting evidence is limited at this time, the clinical significance of this alteration remains unclear.